The following is an entry in ClinVar:

NM_000113.3(TOR1A):c.20T>G (p.Val7Gly)

Genes: TOR1A (torsin family 1 member A; minus strand), LOC130002772 (ATAC-STARR-seq lymphoblastoid active region 29122; plus strand). Cytogenetic location: 9q34.11.
Variant type: single nucleotide variant.
Coding change: c.20T>G on transcript NM_000113.3 (MANE Select); coding-DNA position 20, T replaced by G.
Protein change: p.Val7Gly; replaces valine 7 with glycine.
Molecular consequence: missense variant.
Genome position (GRCh38, 1-based): chr9:129,824,066, A>C on the plus strand (T>G on the coding strand, the complement: TOR1A is on the minus strand). VCF-style: chr9-129824066-A-C. GRCh37 (hg19) VCF-style: chr9-132586345-A-C.
Other names: short protein forms V7G.
Identifiers: ClinVar variation 1683721 (VCV001683721.4), dbSNP rs2031264115, ClinGen allele CA375179084.

ClinVar aggregate classification (germline): Uncertain significance. Review status: criteria provided, multiple submitters, no conflicts (2 of 4 stars). 2 submissions from 2 submitters: Uncertain significance (2). Last evaluated 2024-04-30.

Conditions:
Arthrogryposis multiplex congenita 5. Identifiers: MedGen C5436453, MONDO:0100218, OMIM 618947.
Early-onset generalized limb-onset dystonia. Also called: DYSTONIA MUSCULORUM DEFORMANS 1; Dystonia-1, torsion; Dystonia 1, modifier of; DYSTONIA 1, TORSION, AUTOSOMAL DOMINANT; DYT-TOR1A; Oppenheim's dystonia. Identifiers: Orphanet 256, MedGen C1851945, MONDO:0007492, OMIM 128100.

Allele frequency attached by ClinVar (database versions not stated): gnomAD exomes below 0.00001; TOPMed 0.00001.
gnomAD v4.1: 1 of 1,594,522 alleles (0.000063%); highest among the groups gnomAD compares: African/African-American, 0.0013%; no homozygotes.

Submissions (2):

Fulgent Genetics
Classification: Uncertain significance for Early-onset generalized limb-onset dystonia; Arthrogryposis multiplex congenita 5. Last evaluated: 2024-04-30. Review status: criteria provided, single submitter. Criteria: ACMG Guidelines, 2015. Collection method: clinical testing. Allele origin: germline.

Laboratorio de Genetica e Diagnostico Molecular, Hospital Israelita Albert Einstein
Classification: Uncertain significance for Arthrogryposis multiplex congenita 5. Last evaluated: 2021-08-04. Review status: criteria provided, single submitter. Criteria: ACMG Guidelines, 2015. Collection method: clinical testing. Allele origin: germline. Affected: yes.
Comment: ACMG classification criteria: PM2 moderate, BP4 supporting